The following is an entry in ClinVar:

ClinVar aggregate classification (germline): Uncertain significance (1 of 4 stars; one submission).

Allele frequency attached by ClinVar (database versions not stated): gnomAD exomes 0.00001.
gnomAD v4.1: 3 of 1,613,424 alleles (0.00019%); highest among the groups gnomAD compares: South Asian, 0.0033%; no homozygotes.

Submission:

CeGaT Center for Human Genetics Tuebingen
Classification: Uncertain significance. Last evaluated: 2022-03-01. Review status: criteria provided, single submitter. Criteria: CeGaT Center For Human Genetics Tuebingen Variant Classification Criteria Version 2. Collection method: clinical testing. Allele origin: germline. Affected: yes. Observed: 1 variant allele.
Comment: KDR: PM2, BP4

NM_002253.4(KDR):c.3872G>T (p.Arg1291Met)

Gene: KDR (kinase insert domain receptor; minus strand). Cytogenetic location: 4q12.
Variant type: single nucleotide variant.
Coding change: c.3872G>T on transcript NM_002253.4 (MANE Select); coding-DNA position 3872, G replaced by T.
Protein change: p.Arg1291Met; replaces arginine 1291 with methionine.
Molecular consequence: missense variant.
Genome position (GRCh38, 1-based): chr4:55,080,140, C>A on the plus strand (G>T on the coding strand, the complement: KDR is on the minus strand). VCF-style: chr4-55080140-C-A. GRCh37 (hg19) VCF-style: chr4-55946307-C-A.
Other names: short protein forms R1291M.
Identifiers: ClinVar variation 2654761 (VCV002654761.24), dbSNP rs1719694866, ClinGen allele CA356898869.